The following is an entry in ClinVar:

NM_000414.4(HSD17B4):c.1970G>A (p.Gly657Asp)

Gene: HSD17B4 (hydroxysteroid 17-beta dehydrogenase 4; plus strand). Cytogenetic location: 5q23.1.
Variant type: single nucleotide variant.
Coding change: c.1970G>A on transcript NM_000414.4 (MANE Select); coding-DNA position 1970, G replaced by A.
Protein change: p.Gly657Asp; replaces glycine 657 with aspartic acid.
Molecular consequence: missense variant. On other transcripts: non-coding transcript variant (2).
Genome position (GRCh38, 1-based): chr5:119,531,381, G>A. VCF-style: chr5-119531381-G-A. GRCh37 (hg19) VCF-style: chr5-118867076-G-A.
Other names: p.Gly657Asp; c.1898G>A, p.Gly633Asp (NM_001292027.2, NM_001374498.1); c.1550G>A, p.Gly517Asp (NM_001292028.2); c.1961G>A, p.Gly654Asp (NM_001374497.1); c.1643G>A, p.Gly548Asp (NM_001374499.1); c.1529G>A, p.Gly510Asp (NM_001374500.1); c.1559G>A, p.Gly520Asp (NM_001374501.1, NM_001374502.1, NM_001374503.1); c.1970G>A (NM_000414.3); and 2 more; short protein forms G517D, G548D, G510D, G520D, G639D, G657D, G682D, G633D.
Identifiers: ClinVar variation 1380940 (VCV001380940.6), dbSNP rs141219265, ClinGen allele CA3382473.

ClinVar aggregate classification (germline): Uncertain significance. Review status: criteria provided, multiple submitters, no conflicts (2 of 4 stars). 2 submissions from 2 submitters: Uncertain significance (2). Last evaluated 2022-10-28.

Conditions:
Bifunctional peroxisomal enzyme deficiency (DBIF). Also called: DBP DEFICIENCY; D-bifunctional protein deficiency; PBFE DEFICIENCY. Identifiers: Orphanet 300, MedGen C0342870, MONDO:0009855, OMIM 261515. Disease mechanism: loss of function.
Perrault syndrome. Also called: Gonadal dysgenesis with auditory dysfunction, autosomal recessive inheritance. Identifiers: Orphanet 2855, MedGen C0685838, MONDO:0017312.

Allele frequency attached by ClinVar (database versions not stated): gnomAD 0.00001; gnomAD exomes 0.00001 and 0.00002; ExAC 0.00002; TOPMed 0.00002; ESP Exome Variant Server 0.00008.
gnomAD v4.1: 11 of 1,613,416 alleles (0.00068%); highest among the groups gnomAD compares: East Asian, 0.0022%; no homozygotes.

Submissions (2):

Mayo Clinic Laboratories, Mayo Clinic
Classification: Uncertain significance. Last evaluated: 2022-10-28. Review status: criteria provided, single submitter. Criteria: ACMG Guidelines, 2015. Collection method: clinical testing. Allele origin: germline. Observed: 2 variant alleles.
Comment: BP4, PM2

Labcorp Genetics (formerly Invitae), Labcorp
Classification: Uncertain significance for Perrault syndrome; Bifunctional peroxisomal enzyme deficiency. Last evaluated: 2021-12-03. Review status: criteria provided, single submitter. Criteria: Invitae Variant Classification Sherloc (09022015). Collection method: clinical testing. Allele origin: germline.
Comment: This sequence change replaces glycine, which is neutral and non-polar, with aspartic acid, which is acidic and polar, at codon 657 of the HSD17B4 protein (p.Gly657Asp). This variant is present in population databases (rs141219265, gnomAD 0.004%). This variant has not been reported in the literature in individuals affected with HSD17B4-related conditions. Advanced modeling of protein sequence and biophysical properties (such as structural, functional, and spatial information, amino acid conservation, physicochemical variation, residue mobility, and thermodynamic stability) performed at Invitae indicates that this missense variant is not expected to disrupt HSD17B4 protein function. In summary, the available evidence is currently insufficient to determine the role of this variant in disease. Therefore, it has been classified as a Variant of Uncertain Significance.